The following is an entry in ClinVar:

ClinVar aggregate classification (germline): Uncertain significance (1 of 4 stars; one submission).

Submission:

Women's Health and Genetics/Laboratory Corporation of America, LabCorp
Classification: Uncertain significance. Last evaluated: 2026-06-12. Review status: criteria provided, single submitter. Criteria: LabCorp Variant Classification Summary - May 2015. Collection method: clinical testing. Allele origin: germline.
Comment: Variant summary: RB1 c.1695+10500_1696-30607del is located at a position not widely known to affect splicing. The variant involves a ~30.4 kb deletion within intron 17 of the gene. The variant was absent in 112688 control chromosomes in the gnomAD database (Structural Variants v4.1 dataset). To our knowledge, no occurrence of c.1695+10500_1696-30607del in individuals affected with RB1-related conditions and no experimental evidence demonstrating its impact on protein function have been reported. No submitters have cited clinical-significance assessments for this variant to ClinVar. Based on the evidence outlined above, the variant was classified as uncertain significance.

NM_000321.3:c.1695+10500_1696-30607del

Gene: RB1 (RB transcriptional corepressor 1; plus strand).
Variant type: Deletion.
Other names: c.1695+10500_1696-30607del (NM_000321.3).
Identifiers: ClinVar variation 4887285 (VCV004887285.1).